The following is an entry in ClinVar:

ClinVar aggregate classification (germline): Uncertain significance (1 of 4 stars; one submission).

Conditions:
Candidiasis, familial, 8 (CANDF8). Identifiers: Orphanet 1334, MedGen C3714992, MONDO:0014230, OMIM 615527.

Allele frequency attached by ClinVar (database versions not stated): gnomAD exomes 0.00006; gnomAD 0.00009; TOPMed 0.00009; 1000 Genomes Project 30x 0.00016; ExAC 0.00017; 1000 Genomes Project 0.00020.
gnomAD v4.1: 105 of 1,614,242 alleles (0.0065%); highest among the groups gnomAD compares: East Asian, 0.074%; no homozygotes.

Submission:

Labcorp Genetics (formerly Invitae), Labcorp
Classification: Uncertain significance for Candidiasis, familial, 8. Last evaluated: 2024-04-16. Review status: criteria provided, single submitter. Criteria: Invitae Variant Classification Sherloc (09022015). Collection method: clinical testing. Allele origin: germline.
Comment: This sequence change replaces proline, which is neutral and non-polar, with arginine, which is basic and polar, at codon 100 of the TRAF3IP2 protein (p.Pro100Arg). This variant is present in population databases (rs533450897, gnomAD 0.2%). This variant has not been reported in the literature in individuals affected with TRAF3IP2-related conditions. ClinVar contains an entry for this variant (Variation ID: 2144085). Advanced modeling of protein sequence and biophysical properties (such as structural, functional, and spatial information, amino acid conservation, physicochemical variation, residue mobility, and thermodynamic stability) performed at Invitae indicates that this missense variant is not expected to disrupt TRAF3IP2 protein function with a negative predictive value of 80%. In summary, the available evidence is currently insufficient to determine the role of this variant in disease. Therefore, it has been classified as a Variant of Uncertain Significance.

NM_147686.4(TRAF3IP2):c.299C>G (p.Pro100Arg)

Genes: TRAF3IP2 (TRAF3 interacting protein 2; minus strand), TRAF3IP2-AS1 (TRAF3IP2 antisense RNA 1; plus strand), LOC114803478 (TRAF3IP2 eExon liver enhancer; plus strand). Cytogenetic location: 6q21.
Variant type: single nucleotide variant.
Coding change: c.299C>G on transcript NM_147686.4 (MANE Select); coding-DNA position 299, C replaced by G.
Protein change: p.Pro100Arg; replaces proline 100 with arginine.
Molecular consequence: missense variant.
Genome position (GRCh38, 1-based): chr6:111,591,788, G>C on the plus strand (C>G on the coding strand, the complement: TRAF3IP2 is on the minus strand). VCF-style: chr6-111591788-G-C. GRCh37 (hg19) VCF-style: chr6-111912991-G-C.
Other names: c.299C>G, p.Pro100Arg (NM_001164281.3); c.326C>G, p.Pro109Arg (NM_147200.3); short protein forms P109R, P100R.
Identifiers: ClinVar variation 2144085 (VCV002144085.2), dbSNP rs533450897, ClinGen allele CA3963345.